The following is an entry in ClinVar:

NM_017654.4(SAMD9):c.3917T>C (p.Ile1306Thr)

Gene: SAMD9 (sterile alpha motif domain containing 9; minus strand). Cytogenetic location: 7q21.2.
Variant type: single nucleotide variant.
Coding change: c.3917T>C on transcript NM_017654.4 (MANE Select); coding-DNA position 3917, T replaced by C.
Protein change: p.Ile1306Thr; replaces isoleucine 1306 with threonine.
Molecular consequence: missense variant.
Genome position (GRCh38, 1-based): chr7:93,102,181, A>G on the plus strand (T>C on the coding strand, the complement: SAMD9 is on the minus strand). VCF-style: chr7-93102181-A-G. GRCh37 (hg19) VCF-style: chr7-92731494-A-G.
Other names: c.3917T>C, p.Ile1306Thr (NM_001193307.2); short protein forms I1306T.
Identifiers: ClinVar variation 4863784 (VCV004863784.1).

ClinVar aggregate classification (germline): Uncertain significance (1 of 4 stars; one submission).

Conditions:
Inborn genetic diseases. Identifiers: MedGen C0950123, MeSH D030342.

gnomAD v4.1: 9 of 1,613,548 alleles (0.00056%); highest among the groups gnomAD compares: South Asian, 0.0088%; no homozygotes.

Submission:

Ambry Genetics
Classification: Uncertain significance for Inborn genetic diseases. Last evaluated: 2026-03-30. Review status: criteria provided, single submitter. Criteria: Ambry Variant Classification Scheme 2023. Collection method: clinical testing. Allele origin: germline.
Comment: The p.I1306T variant (also known as c.3917T>C), located in coding exon 1 of the SAMD9 gene, results from a T to C substitution at nucleotide position 3917. The isoleucine at codon 1306 is replaced by threonine, an amino acid with similar properties. This amino acid position is conserved. In addition, this alteration is predicted to be tolerated by in silico analysis. Based on the available evidence, the clinical significance of this variant remains unclear.